The following is an entry in ClinVar:

NM_001130987.2(DYSF):c.3757-277C>T

Gene: DYSF (dysferlin; plus strand). Cytogenetic location: 2p13.2.
Variant type: single nucleotide variant.
Coding change: c.3757-277C>T on transcript NM_001130987.2 (MANE Select); 277 bases into the intron before coding-DNA position 3757, C replaced by T.
Molecular consequence: intron variant.
Genome position (GRCh38, 1-based): chr2:71,600,425, C>T. VCF-style: chr2-71600425-C-T. GRCh37 (hg19) VCF-style: chr2-71827555-C-T.
Other names: c.3796-277C>T (NM_001130979.2); c.3754-277C>T (NM_001130981.2, NM_001130980.2); c.3703-277C>T (NM_001130978.2, NM_003494.4); c.3661-277C>T (NM_001130977.2, NM_001130976.2); c.3799-277C>T (NM_001130982.2); c.3757-277C>T (NM_001130985.2); c.3706-277C>T (NM_001130983.2, NM_001130455.2); c.3664-277C>T (NM_001130984.2, NM_001130986.2).
Identifiers: ClinVar variation 668898 (VCV000668898.1), dbSNP rs13028056, ClinGen allele CA11072056.

ClinVar aggregate classification (germline): Benign (1 of 4 stars; one submission).

Allele frequency attached by ClinVar (database versions not stated): 1000 Genomes Project 30x 0.16458; 1000 Genomes Project 0.16613; TOPMed 0.19941; gnomAD 0.21597 and 0.21660.
gnomAD v4.1: 32,920 of 152,186 alleles (22%); highest among the groups gnomAD compares: Non-Finnish European, 29%; 4,339 homozygotes.

Submission:

GeneDx
Classification: Benign. Last evaluated: 2018-06-19. Review status: criteria provided, single submitter. Criteria: GeneDx Variant Classification (06012015). Collection method: clinical testing. Allele origin: germline. Affected: yes.
Comment: This variant is considered likely benign or benign based on one or more of the following criteria: it is a conservative change, it occurs at a poorly conserved position in the protein, it is predicted to be benign by multiple in silico algorithms, and/or has population frequency not consistent with disease.